The following is an entry in ClinVar:

NM_001122630.2(CDKN1C):c.415C>A (p.Pro139Thr)

Gene: CDKN1C (cyclin dependent kinase inhibitor 1C; minus strand). Cytogenetic location: 11p15.4.
Variant type: single nucleotide variant.
Coding change: c.415C>A on transcript NM_001122630.2 (MANE Select); coding-DNA position 415, C replaced by A.
Protein change: p.Pro139Thr; replaces proline 139 with threonine.
Molecular consequence: missense variant. On other transcripts: intron variant (1).
Genome position (GRCh38, 1-based): chr11:2,885,042, G>T on the plus strand (C>A on the coding strand, the complement: CDKN1C is on the minus strand). VCF-style: chr11-2885042-G-T. GRCh37 (hg19) VCF-style: chr11-2906272-G-T.
Other names: c.448C>A, p.Pro150Thr (NM_000076.2, NM_001362474.2); c.415C>A, p.Pro139Thr (NM_001122631.2); c.255+160C>A (NM_001362475.2); short protein forms P150T, P139T.
Identifiers: ClinVar variation 2870201 (VCV002870201.3), dbSNP rs2494388013, ClinGen allele CA379146678.

ClinVar aggregate classification (germline): Uncertain significance (1 of 4 stars; one submission).

Conditions:
Beckwith-Wiedemann syndrome (BWS). Also called: Exomphalos macroglossia gigantism syndrome; EMG SYNDROME. Identifiers: Orphanet 116, MedGen C0004903, MONDO:0007534, OMIM 130650.

Submission:

Labcorp Genetics (formerly Invitae), Labcorp
Classification: Uncertain significance for Beckwith-Wiedemann syndrome. Last evaluated: 2023-11-20. Review status: criteria provided, single submitter. Criteria: Invitae Variant Classification Sherloc (09022015). Collection method: clinical testing. Allele origin: germline.
Comment: This sequence change replaces proline, which is neutral and non-polar, with threonine, which is neutral and polar, at codon 150 of the CDKN1C protein (p.Pro150Thr). This variant is not present in population databases (gnomAD no frequency). This variant has not been reported in the literature in individuals affected with CDKN1C-related conditions. Experimental studies and prediction algorithms are not available or were not evaluated, and the functional significance of this variant is currently unknown. In summary, the available evidence is currently insufficient to determine the role of this variant in disease. Therefore, it has been classified as a Variant of Uncertain Significance.